The following is an entry in ClinVar:

NM_003072.5(SMARCA4):c.829C>T (p.Pro277Ser)

Gene: SMARCA4 (SWI/SNF related BAF chromatin remodeling complex subunit ATPase 4; plus strand). Cytogenetic location: 19p13.2.
Variant type: single nucleotide variant.
Coding change: c.829C>T on transcript NM_003072.5 (MANE Select); coding-DNA position 829, C replaced by T.
Protein change: p.Pro277Ser; replaces proline 277 with serine.
Molecular consequence: missense variant. On other transcripts: non-coding transcript variant (1).
Genome position (GRCh38, 1-based): chr19:10,986,973, C>T. VCF-style: chr19-10986973-C-T. GRCh37 (hg19) VCF-style: chr19-11097649-C-T.
Other names: c.829C>T, p.Pro277Ser (NM_001128844.3, NM_001128845.2, NM_001128846.2 and 5 more transcripts); short protein forms P277S.
Identifiers: ClinVar variation 480580 (VCV000480580.21), dbSNP rs767947665, ClinGen allele CA9203590.

ClinVar aggregate classification (germline): Conflicting classifications of pathogenicity. Review status: criteria provided, conflicting classifications (1 of 4 stars). 6 submissions from 6 submitters: Uncertain significance (5); Likely benign (1). Last evaluated 2026-01-19.

Conditions:
Rhabdoid tumor predisposition syndrome 2 (RTPS2). Identifiers: Orphanet 231108, Orphanet 69077, MedGen C2750074, MONDO:0013224, OMIM 613325.
Intellectual disability, autosomal dominant 16 (CSS4). Also called: COFFIN-SIRIS SYNDROME 4. Identifiers: Orphanet 1465, MedGen C3553249, MONDO:0013821, OMIM 614609.
Hereditary cancer-predisposing syndrome. Also called: Hereditary Cancer Syndrome; Neoplastic Syndromes, Hereditary; Tumor predisposition; Hereditary neoplastic syndrome. Identifiers: Orphanet 140162, MedGen C0027672, MeSH D009386, MONDO:0015356.

Allele frequency attached by ClinVar (database versions not stated): gnomAD exomes 0.00001; ExAC 0.00002.

Submissions (6):

Labcorp Genetics (formerly Invitae), Labcorp
Classification: Uncertain significance for Rhabdoid tumor predisposition syndrome 2. Last evaluated: 2026-01-19. Review status: criteria provided, single submitter. Criteria: Invitae Variant Classification Sherloc (09022015). Collection method: clinical testing. Allele origin: germline.
Comment: This sequence change replaces proline, which is neutral and non-polar, with serine, which is neutral and polar, at codon 277 of the SMARCA4 protein (p.Pro277Ser). This variant is present in population databases (rs767947665, gnomAD 0.002%). This missense change has been observed in individual(s) with clinical features of SMARCA4-related conditions (PMID: 37500730). ClinVar contains an entry for this variant (Variation ID: 480580). Invitae Evidence Modeling of protein sequence and biophysical properties (such as structural, functional, and spatial information, amino acid conservation, physicochemical variation, residue mobility, and thermodynamic stability) indicates that this missense variant is not expected to disrupt SMARCA4 protein function with a negative predictive value of 95%. In summary, the available evidence is currently insufficient to determine the role of this variant in disease. Therefore, it has been classified as a Variant of Uncertain Significance.

GeneDx
Classification: Uncertain significance. Last evaluated: 2023-07-27. Review status: criteria provided, single submitter. Criteria: GeneDx Variant Classification Process June 2021. Collection method: clinical testing. Allele origin: germline. Affected: yes.
Comment: In silico analysis supports that this missense variant does not alter protein structure/function; Has not been previously published as pathogenic or benign to our knowledge

Baylor Genetics
Classification: Uncertain significance for Rhabdoid tumor predisposition syndrome 2. Last evaluated: 2023-07-04. Review status: criteria provided, single submitter. Criteria: ACMG Guidelines, 2015. Collection method: clinical testing. Allele origin: unknown.

Ambry Genetics
Classification: Likely benign for Hereditary cancer-predisposing syndrome. Last evaluated: 2023-01-20. Review status: criteria provided, single submitter. Criteria: Ambry Variant Classification Scheme 2023. Collection method: clinical testing. Allele origin: germline.

Genome-Nilou Lab
Classification: Uncertain significance for Intellectual disability, autosomal dominant 16. Last evaluated: 2021-07-15. Review status: criteria provided, single submitter. Criteria: ACMG Guidelines, 2015. Collection method: clinical testing. Allele origin: germline. Affected: no.

Fulgent Genetics
Classification: Uncertain significance for Rhabdoid tumor predisposition syndrome 2; Intellectual disability, autosomal dominant 16. Last evaluated: 2018-10-31. Review status: criteria provided, single submitter. Criteria: ACMG Guidelines, 2015. Collection method: clinical testing. Allele origin: unknown.

Literature cited by the submitters: PubMed 37500730 (cited by Labcorp Genetics (formerly Invitae), Labcorp).